The following is an entry in ClinVar:

ClinVar aggregate classification (germline): Uncertain significance (1 of 4 stars; one submission).

gnomAD v4.1: 2 of 1,611,376 alleles (0.00012%); highest among the groups gnomAD compares: African/African-American, 0.0027%; no homozygotes.

Submission:

Labcorp Genetics (formerly Invitae), Labcorp
Classification: Uncertain significance. Last evaluated: 2023-11-25. Review status: criteria provided, single submitter. Criteria: Invitae Variant Classification Sherloc (09022015). Collection method: clinical testing. Allele origin: germline.
Comment: This sequence change replaces proline, which is neutral and non-polar, with threonine, which is neutral and polar, at codon 526 of the C7 protein (p.Pro526Thr). This variant is not present in population databases (gnomAD no frequency). This variant has not been reported in the literature in individuals affected with C7-related conditions. Advanced modeling of protein sequence and biophysical properties (such as structural, functional, and spatial information, amino acid conservation, physicochemical variation, residue mobility, and thermodynamic stability) performed at Invitae indicates that this missense variant is expected to disrupt C7 protein function with a positive predictive value of 80%. In summary, the available evidence is currently insufficient to determine the role of this variant in disease. Therefore, it has been classified as a Variant of Uncertain Significance.

NM_000587.4(C7):c.1576C>A (p.Pro526Thr)

Gene: C7 (complement C7; plus strand). Cytogenetic location: 5p13.1.
Variant type: single nucleotide variant.
Coding change: c.1576C>A on transcript NM_000587.4 (MANE Select); coding-DNA position 1576, C replaced by A.
Protein change: p.Pro526Thr; replaces proline 526 with threonine.
Molecular consequence: missense variant.
Genome position (GRCh38, 1-based): chr5:40,959,535, C>A. VCF-style: chr5-40959535-C-A. GRCh37 (hg19) VCF-style: chr5-40959637-C-A.
Other names: short protein forms P526T.
Identifiers: ClinVar variation 2699132 (VCV002699132.3), dbSNP rs777202847, ClinGen allele CA359588002.